The following is an entry in ClinVar:

ClinVar aggregate classification (germline): Pathogenic (0 of 4 stars; one submission).

Conditions:
Cataract 36. Identifiers: MedGen C3151304, MONDO:0013484, OMIM 613887.

Submission:

Institute of Reproductive and Stem Cell Engineering, Central South University
Classification: Pathogenic for Cataract 36. Last evaluated: 2017-04-02. Review status: no assertion criteria provided. Collection method: research. Allele origin: germline, not applicable. Inheritance: Autosomal recessive inheritance. Affected: yes and no. Observed: 7 variant alleles, 4 heterozygotes, 3 homozygotes.
Comment: a novel loss-of-function mutation(NM_014290: c.328dupA) in TDRD7 via genetic analysis of consanguineous families using whole exome sequencing and targeted gene screening. The mutation leads to a novel rare syndrome combining congenital cataract (CC) with non-obstructive azoospermia (NOA) in males and congenital cataract alone in females in a clear autosomal recessive mode.

NM_014290.3(TDRD7):c.328dup (p.Thr110fs)

Gene: TDRD7 (tudor domain containing 7; plus strand). Cytogenetic location: 9q22.33.
Variant type: Duplication.
Coding change: c.328dup on transcript NM_014290.3 (MANE Select); coding-DNA position 328, one base duplicated (A; older notation c.328dupA).
Protein change: p.Thr110fs; shifts the reading frame from threonine 110.
Molecular consequence: frameshift variant.
Genome position (GRCh38, 1-based): chr9:97,431,053, A duplicated; the last of 4 consecutive A bases (chr9:97,431,050-97,431,053); duplicating any one gives the same sequence. VCF-style (leftmost placement, unchanged base first): chr9-97431049-G-GA. GRCh37 (hg19) VCF-style: chr9-100193331-G-GA.
Other names: c.106dup, p.Thr36fs (NM_001302884.2); c.328dupA (NM_014290.2); short protein forms T110fs, T36fs.
Identifiers: ClinVar variation 427905 (VCV000427905.2), dbSNP rs1554743428, ClinGen allele CA658822909.